The following is an entry in ClinVar:

ClinVar aggregate classification (germline): Uncertain significance (1 of 4 stars; one submission).

Conditions:
Neurofibromatosis, type 1 (NF1). Also called: Peripheral type neurofibromatosis; VON RECKLINGHAUSEN DISEASE; NEUROFIBROMATOSIS, TYPE I, SOMATIC; Neurofibromatosis, type I. Identifiers: Orphanet 636, MedGen C0027831, MONDO:0018975, OMIM 162200. Disease mechanism: loss of function.

Submission:

Labcorp Genetics (formerly Invitae), Labcorp
Classification: Uncertain significance for Neurofibromatosis, type 1. Last evaluated: 2022-08-28. Review status: criteria provided, single submitter. Criteria: Invitae Variant Classification Sherloc (09022015). Collection method: clinical testing. Allele origin: germline.
Comment: In summary, the available evidence is currently insufficient to determine the role of this variant in disease. Therefore, it has been classified as a Variant of Uncertain Significance. Advanced modeling of protein sequence and biophysical properties (such as structural, functional, and spatial information, amino acid conservation, physicochemical variation, residue mobility, and thermodynamic stability) performed at Invitae indicates that this missense variant is expected to disrupt NF1 protein function. This variant has not been reported in the literature in individuals affected with NF1-related conditions. This variant is not present in population databases (gnomAD no frequency). This sequence change replaces valine, which is neutral and non-polar, with aspartic acid, which is acidic and polar, at codon 1212 of the NF1 protein (p.Val1212Asp).

NM_001042492.3(NF1):c.3635T>A (p.Val1212Asp)

Gene: NF1 (neurofibromin 1; plus strand). Cytogenetic location: 17q11.2.
Variant type: single nucleotide variant.
Coding change: c.3635T>A on transcript NM_001042492.3 (MANE Select); coding-DNA position 3635, T replaced by A.
Protein change: p.Val1212Asp; replaces valine 1212 with aspartic acid.
Molecular consequence: missense variant.
Genome position (GRCh38, 1-based): chr17:31,233,140, T>A. VCF-style: chr17-31233140-T-A. GRCh37 (hg19) VCF-style: chr17-29560158-T-A.
Other names: c.3635T>A, p.Val1212Asp (NM_000267.4); short protein forms V1212D.
Identifiers: ClinVar variation 1718264 (VCV001718264.5), dbSNP rs2151435647, ClinGen allele CA398990389.